The following is an entry in ClinVar:

NM_001369268.1(ACAN):c.1793G>A (p.Cys598Tyr)

Gene: ACAN (aggrecan; plus strand). Cytogenetic location: 15q26.1.
Variant type: single nucleotide variant.
Coding change: c.1793G>A on transcript NM_001369268.1 (MANE Select); coding-DNA position 1793, G replaced by A.
Protein change: p.Cys598Tyr; replaces cysteine 598 with tyrosine.
Molecular consequence: missense variant.
Genome position (GRCh38, 1-based): chr15:88,849,498, G>A. VCF-style: chr15-88849498-G-A. GRCh37 (hg19) VCF-style: chr15-89392729-G-A.
Other names: c.1793G>A, p.Cys598Tyr (NM_001135.4, NM_001411096.1, NM_001411097.1 and 1 more transcripts); short protein forms C598Y.
Identifiers: ClinVar variation 4813607 (VCV004813607.1).

ClinVar aggregate classification (germline): Pathogenic (1 of 4 stars; one submission).

Conditions:
Short stature and advanced bone age, with or without early-onset osteoarthritis and/or osteochondritis dissecans (SSOAOD). Identifiers: Orphanet 251262, MedGen C3665488, MONDO:0100462, OMIM 165800.

Submission:

Mendelics
Classification: Pathogenic for Short stature and advanced bone age, with or without early-onset osteoarthritis and/or osteochondritis dissecans. Last evaluated: 2026-03-05. Review status: criteria provided, single submitter. Criteria: ACMG Guidelines, 2015. Collection method: clinical testing. Allele origin: unknown.
Comment: Likely pathogenic/Pathogenic according to ACMG criteria.